The following is an entry in ClinVar:

ClinVar aggregate classification (germline): Uncertain significance (1 of 4 stars; one submission).

Conditions:
Hereditary cancer-predisposing syndrome. Also called: Neoplastic Syndromes, Hereditary; Hereditary neoplastic syndrome; Tumor predisposition; Hereditary Cancer Syndrome. Identifiers: Orphanet 140162, MedGen C0027672, MeSH D009386, MONDO:0015356.

Submission:

Ambry Genetics
Classification: Uncertain significance for Hereditary cancer-predisposing syndrome. Last evaluated: 2026-02-21. Review status: criteria provided, single submitter. Criteria: Ambry Variant Classification Scheme 2023. Collection method: clinical testing. Allele origin: germline.
Comment: The p.I842T variant (also known as c.2525T>C), located in coding exon 10 of the AXIN2 gene, results from a T to C substitution at nucleotide position 2525. The isoleucine at codon 842 is replaced by threonine, an amino acid with similar properties. This amino acid position is conserved. In addition, the in silico prediction for this alteration is inconclusive. Based on the available evidence, the clinical significance of this variant remains unclear.

NM_004655.4(AXIN2):c.2525T>C (p.Ile842Thr)

Gene: AXIN2 (axin 2; minus strand). Cytogenetic location: 17q24.1.
Variant type: single nucleotide variant.
Coding change: c.2525T>C on transcript NM_004655.4 (MANE Select); coding-DNA position 2525, T replaced by C.
Protein change: p.Ile842Thr; replaces isoleucine 842 with threonine.
Molecular consequence: missense variant.
Genome position (GRCh38, 1-based): chr17:65,529,983, A>G on the plus strand (T>C on the coding strand, the complement: AXIN2 is on the minus strand). VCF-style: chr17-65529983-A-G. GRCh37 (hg19) VCF-style: chr17-63526101-A-G.
Other names: c.2330T>C, p.Ile777Thr (NM_001363813.1); short protein forms I777T, I842T.
Identifiers: ClinVar variation 4824630 (VCV004824630.1).
Genomic context (GRCh38, chr17:65,529,983, plus strand): 5'-CAGTTCACAAGAGCTTCGGGCTCCAACAGTTCACCAAAGCCAGACCCCAGGGCTCAATCG[A>G]TCCGCTCCACTTTGCCCAGAATCCGGCCTTCATACATCGGGAGCACCGTCTCATCCTCCC-3'
Protein context (NP_004646.3, residues 832-843): EGRILGKVER[Ile842Thr]D